The following is an entry in ClinVar:

NM_000275.3(OCA2):c.1117-17T>C

Gene: OCA2 (OCA2 melanosomal transmembrane protein; minus strand). Cytogenetic location: 15q13.1.
Variant type: single nucleotide variant.
Coding change: c.1117-17T>C on transcript NM_000275.3 (MANE Select); 17 bases into the intron before coding-DNA position 1117, T replaced by C.
Molecular consequence: intron variant.
Genome position (GRCh38, 1-based): chr15:27,989,683, A>G on the plus strand (T>C on the coding strand, the complement: OCA2 is on the minus strand). VCF-style: chr15-27989683-A-G. GRCh37 (hg19) VCF-style: chr15-28234829-A-G.
Other names: c.1045-17T>C (NM_001300984.2).
Identifiers: ClinVar variation 255718 (VCV000255718.17), dbSNP rs200081580, ClinGen allele CA7439196.

ClinVar aggregate classification (germline): Conflicting classifications of pathogenicity. Review status: criteria provided, conflicting classifications (1 of 4 stars). 7 submissions from 7 submitters: Likely pathogenic (3); Uncertain significance (1); Likely benign (3). Last evaluated 2026-05-14.

Conditions:
OCA2-related disorder. Also called: OCA2-related condition.
Tyrosinase-positive oculocutaneous albinism (OCA2). Also called: Oculocutaneous albinism type 2; ALBINISM II; Albinism, oculocutaneous, type II. Identifiers: Orphanet 79432, MedGen C0268495, MONDO:0008746, OMIM 203200.

Allele frequency attached by ClinVar (database versions not stated): 1000 Genomes Project 30x 0.00016; 1000 Genomes Project 0.00020; gnomAD 0.00062 and 0.00078; gnomAD exomes 0.00067 and 0.00103; TOPMed 0.00070; ExAC 0.00073; ESP Exome Variant Server 0.00100.
gnomAD v4.1: 1,601 of 1,613,316 alleles (0.099%); highest among the groups gnomAD compares: Non-Finnish European, 0.12%; 2 homozygotes.

Submissions (7):

PreventionGenetics, part of Exact Sciences
Classification: Likely benign for OCA2-related condition. Last evaluated: 2026-05-14. Review status: criteria provided, single submitter. Criteria: ACMG Guidelines, 2015. Collection method: clinical testing. Allele origin: germline.
Comment: This variant is classified as likely benign based on ACMG/AMP sequence variant interpretation guidelines (Richards et al. 2015 PMID: 25741868, with internal and published modifications).

GeneDx
Classification: Likely pathogenic. Last evaluated: 2026-02-18. Review status: criteria provided, single submitter. Criteria: GeneDx Variant Classification Process June 2021. Collection method: clinical testing. Allele origin: germline. Affected: yes.
Comment: RNA studies demonstrate a damaging effect: including in-frame exon skipping (PMID: 39201349); This variant is associated with the following publications: (PMID: 39201349, 29345414)

Myriad Genetics, Inc.
Classification: Likely pathogenic for Tyrosinase-positive oculocutaneous albinism. Last evaluated: 2026-02-11. Review status: criteria provided, single submitter. Criteria: Myriad Autosomal Dominant, Autosomal Recessive and X-Linked Classification Criteria (2023). Collection method: clinical testing. Allele origin: unknown.
Comment: NM_000275.2(OCA2):c.1117-17T>C is an intronic variant classified as likely pathogenic in the context of oculocutaneous albinism, OCA2-related. c.1117-17T>C has been observed in cases with relevant disease (PMID: 39349469, 29345414, 39201349). Relevant functional assessments of this variant are available in the literature (PMID: 39201349). c.1117-17T>C has been observed in referenced population frequency databases. In summary, NM_000275.2(OCA2):c.1117-17T>C is an intronic variant that has been observed more frequently in cases with the relevant disease than in healthy populations. Please note: this variant was assessed in the context of healthy population screening.

Labcorp Genetics (formerly Invitae), Labcorp
Classification: Likely benign. Last evaluated: 2026-01-18. Review status: criteria provided, single submitter. Criteria: Invitae Variant Classification Sherloc (09022015). Collection method: clinical testing. Allele origin: germline.

Blueprint Genetics
Classification: Likely benign. Last evaluated: 2024-11-05. Review status: criteria provided, single submitter. Criteria: ACMG Guidelines, 2015. Collection method: clinical testing. Allele origin: germline.

Molecular Genetics, University Hospital Bordeaux
Classification: Likely pathogenic for Tyrosinase-positive oculocutaneous albinism. Last evaluated: 2023-06-04. Review status: criteria provided, single submitter. Criteria: ACMG Guidelines, 2015. Collection method: clinical testing, in vitro. Allele origin: inherited, not applicable. Affected: yes. Functional consequence: sequence_variant_affecting_splicing.

Genome-Nilou Lab
Classification: Uncertain significance for Tyrosinase-positive oculocutaneous albinism. Last evaluated: 2021-11-07. Review status: criteria provided, single submitter. Criteria: ACMG Guidelines, 2015. Collection method: clinical testing. Allele origin: germline. Affected: no.

Literature cited by the submitters: PubMed 29345414 (cited by Myriad Genetics, Inc.); PubMed 39201349 (cited by Myriad Genetics, Inc.); PubMed 39349469 (cited by Myriad Genetics, Inc.).